The following is an entry in ClinVar:

ClinVar aggregate classification (germline): Uncertain significance (1 of 4 stars; one submission).

Submission:

Labcorp Genetics (formerly Invitae), Labcorp
Classification: Uncertain significance. Last evaluated: 2023-06-04. Review status: criteria provided, single submitter. Criteria: Invitae Variant Classification Sherloc (09022015). Collection method: clinical testing. Allele origin: germline.
Comment: In summary, the available evidence is currently insufficient to determine the role of this variant in disease. Therefore, it has been classified as a Variant of Uncertain Significance. Experimental studies and prediction algorithms are not available or were not evaluated, and the functional significance of this variant is currently unknown. This variant has not been reported in the literature in individuals affected with KLHL7-related conditions. This variant is not present in population databases (gnomAD no frequency). This variant, c.283_285del, results in the deletion of 1 amino acid(s) of the KLHL7 protein (p.Ile95del), but otherwise preserves the integrity of the reading frame.

NM_001031710.3(KLHL7):c.280ATT[1] (p.Ile95del)

Gene: KLHL7 (kelch like family member 7; plus strand). Cytogenetic location: 7p15.3.
Variant type: Microsatellite.
Coding change: c.280ATT[1] on transcript NM_001031710.3 (MANE Select); one copy of the 3-base unit ATT starting at c.280; the reference has two copies in a row; one copy, 3 bases deleted.
Protein change: p.Ile95del; deletes isoleucine 95.
Molecular consequence: inframe deletion. On other transcripts: non-coding transcript variant (2).
Genome position (GRCh38, 1-based): chr7:23,124,747-23,124,749, ATT deleted; deleting any 3 consecutive bases within chr7:23,124,743-23,124,749 gives the same sequence; the position shown is the placement nearest the transcript's 3' end. VCF-style (leftmost placement, unchanged base first): chr7-23124742-ATAT-A. GRCh37 (hg19) VCF-style: chr7-23164361-ATAT-A.
Other names: c.280ATT[1], p.Ile95del (NM_001172428.2); c.136ATT[1], p.Ile47del (NM_018846.5); short protein forms I95del, I47del.
Identifiers: ClinVar variation 3012907 (VCV003012907.3), dbSNP rs2534809963, ClinGen allele CA2578846193.